The following is an entry in ClinVar:

ClinVar aggregate classification (germline): Likely benign (0 of 4 stars; one submission).

Conditions:
EDAR-related disorder. Also called: EDAR-related condition.

Allele frequency attached by ClinVar (database versions not stated): TOPMed below 0.00001; gnomAD 0.00001; gnomAD exomes 0.00001.
gnomAD v4.1: 4 of 1,613,958 alleles (0.00025%); highest among the groups gnomAD compares: African/African-American, 0.0013%; no homozygotes.

Submission:

PreventionGenetics, part of Exact Sciences
Classification: Likely benign for EDAR-related condition. Last evaluated: 2023-10-26. Review status: no assertion criteria provided. Collection method: clinical testing. Allele origin: germline.
Comment: This variant is classified as likely benign based on ACMG/AMP sequence variant interpretation guidelines (Richards et al. 2015 PMID: 25741868, with internal and published modifications).

NM_022336.4(EDAR):c.129G>A (p.Leu43=)

Genes: EDAR (ectodysplasin A receptor; minus strand), RANBP2 (RAN binding protein 2; plus strand). Cytogenetic location: 2q13.
Variant type: single nucleotide variant.
Coding change: c.129G>A on transcript NM_022336.4 (MANE Select); coding-DNA position 129, G replaced by A.
Protein change: p.Leu43=; no amino-acid change (leucine 43 retained).
Molecular consequence: synonymous variant.
Genome position (GRCh38, 1-based): chr2:108,930,165, C>T on the plus strand (G>A on the coding strand, the complement: EDAR is on the minus strand). VCF-style: chr2-108930165-C-T. GRCh37 (hg19) VCF-style: chr2-109546621-C-T.
Identifiers: ClinVar variation 3029666 (VCV003029666.2), dbSNP rs1294790173, ClinGen allele CA428087122.